The following is an entry in ClinVar:

NM_001005242.3(PKP2):c.2251G>T (p.Ala751Ser)

Gene: PKP2 (plakophilin 2; minus strand). Cytogenetic location: 12p11.21.
Variant type: single nucleotide variant.
Coding change: c.2251G>T on transcript NM_001005242.3 (MANE Select); coding-DNA position 2251, G replaced by T.
Protein change: p.Ala751Ser; replaces alanine 751 with serine.
Molecular consequence: missense variant. On other transcripts: intron variant (2).
Genome position (GRCh38, 1-based): chr12:32,796,215, C>A on the plus strand (G>T on the coding strand, the complement: PKP2 is on the minus strand). VCF-style: chr12-32796215-C-A. GRCh37 (hg19) VCF-style: chr12-32949149-C-A.
Other names: c.2086G>T, p.Ala696Ser (NM_001407156.1); c.1924G>T, p.Ala642Ser (NM_001407158.1, NM_001407159.1); c.2383G>T, p.Ala795Ser (NM_004572.4); c.2168-3484G>T (NM_001407155.1); c.1841-3484G>T (NM_001407160.1); short protein forms A642S, A751S, A696S, A795S.
Identifiers: ClinVar variation 2698368 (VCV002698368.3), dbSNP rs2541190222, ClinGen allele CA384357807.

ClinVar aggregate classification (germline): Uncertain significance (1 of 4 stars; one submission).

Conditions:
Arrhythmogenic right ventricular dysplasia 9 (ARVD9). Also called: Arrhythmogenic Right Ventricular Dysplasia/Cardiomyopathy 9; ARRHYTHMOGENIC RIGHT VENTRICULAR DYSPLASIA, FAMILIAL, 9. Identifiers: MedGen C1836906, MONDO:0012180, OMIM 609040.

Submission:

Labcorp Genetics (formerly Invitae), Labcorp
Classification: Uncertain significance for Arrhythmogenic right ventricular dysplasia 9. Last evaluated: 2023-11-24. Review status: criteria provided, single submitter. Criteria: Invitae Variant Classification Sherloc (09022015). Collection method: clinical testing. Allele origin: germline.
Comment: This sequence change replaces alanine, which is neutral and non-polar, with serine, which is neutral and polar, at codon 795 of the PKP2 protein (p.Ala795Ser). This variant is not present in population databases (gnomAD no frequency). This variant has not been reported in the literature in individuals affected with PKP2-related conditions. An algorithm developed to predict the effect of missense changes on protein structure and function (PolyPhen-2) suggests that this variant is likely to be tolerated. In summary, the available evidence is currently insufficient to determine the role of this variant in disease. Therefore, it has been classified as a Variant of Uncertain Significance.